The following is an entry in ClinVar:

NM_031407.7(HUWE1):c.8495C>T (p.Thr2832Ile)

Gene: HUWE1 (HECT, UBA and WWE domain containing E3 ubiquitin protein ligase 1; minus strand). Cytogenetic location: Xp11.22.
Variant type: single nucleotide variant.
Coding change: c.8495C>T on transcript NM_031407.7 (MANE Select); coding-DNA position 8495, C replaced by T.
Protein change: p.Thr2832Ile; replaces threonine 2832 with isoleucine.
Molecular consequence: missense variant.
Genome position (GRCh38, 1-based): chrX:53,552,893, G>A on the plus strand (C>T on the coding strand, the complement: HUWE1 is on the minus strand). VCF-style: chrX-53552893-G-A. GRCh37 (hg19) VCF-style: chrX-53579854-G-A.
Other names: short protein forms T2832I.
Identifiers: ClinVar variation 2091487 (VCV002091487.5), dbSNP rs2523433917, ClinGen allele CA413146946.

ClinVar aggregate classification (germline): Conflicting classifications of pathogenicity. Review status: criteria provided, conflicting classifications (1 of 4 stars). 2 submissions from 2 submitters: Uncertain significance (1); Likely benign (1). Last evaluated 2024-10-16.

Conditions:
Intellectual developmental disorder, X-linked, syndromic, Turner type. Also called: X-linked intellectual disability, Turner type; Intellectual disability, X-linked syndromic, Turner type. Identifiers: Orphanet 3056, Orphanet 85328, MedGen C2678046, MONDO:0010407, OMIM 309590.
Trigonocephaly-short stature-developmental delay syndrome. Also called: TRIGONOCEPHALY WITH SHORT STATURE AND DEVELOPMENTAL DELAY; Say Meyer syndrome; Trigonocephaly, short stature and developmental delay; Trigonocephaly, short stature, and retarded psychomotor development. Identifiers: Orphanet 3369, MedGen C1839125, MONDO:0010749, OMIM 314320.

Submissions (2):

Labcorp Genetics (formerly Invitae), Labcorp
Classification: Uncertain significance. Last evaluated: 2024-10-16. Review status: criteria provided, single submitter. Criteria: Invitae Variant Classification Sherloc (09022015). Collection method: clinical testing. Allele origin: germline.
Comment: This sequence change replaces threonine, which is neutral and polar, with isoleucine, which is neutral and non-polar, at codon 2832 of the HUWE1 protein (p.Thr2832Ile). This variant is not present in population databases (gnomAD no frequency). This variant has not been reported in the literature in individuals affected with HUWE1-related conditions. ClinVar contains an entry for this variant (Variation ID: 2091487). An algorithm developed to predict the effect of missense changes on protein structure and function (PolyPhen-2) suggests that this variant is likely to be disruptive. In summary, the available evidence is currently insufficient to determine the role of this variant in disease. Therefore, it has been classified as a Variant of Uncertain Significance.

3billion
Classification: Likely benign for Trigonocephaly-short stature-developmental delay syndrome; Intellectual developmental disorder, X-linked, syndromic, Turner type. Last evaluated: 2024-09-20. Review status: criteria provided, single submitter. Criteria: ACMG Guidelines, 2015. Collection method: clinical testing. Allele origin: germline. Affected: no.
Comment: The hemizygous variant was found in patients diagnosed with another variant in a different gene, with no symptoms related to the gene containing the hemizygous variant.